The following is an entry in ClinVar:

ClinVar aggregate classification (germline): Conflicting classifications of pathogenicity. Review status: criteria provided, conflicting classifications (1 of 4 stars). 3 submissions from 3 submitters: Uncertain significance (2); Benign (1). Last evaluated 2025-08-18.

Conditions:
Hereditary cancer-predisposing syndrome. Also called: Neoplastic Syndromes, Hereditary; Hereditary Cancer Syndrome; Hereditary neoplastic syndrome; Tumor predisposition. Identifiers: Orphanet 140162, MedGen C0027672, MeSH D009386, MONDO:0015356.
Hereditary breast ovarian cancer syndrome. Also called: Hereditary breast and ovarian cancer syndrome (HBOC); Hereditary breast and ovarian cancer syndrome; Breast and ovarian cancer; BRCA1- and BRCA2-Associated Hereditary Breast and Ovarian Cancer; Hereditary breast and ovarian cancer; Hereditary breast and/or ovarian cancer syndrome. Identifiers: Orphanet 145, MedGen C0677776, MeSH D061325, MONDO:0003582. Disease mechanism: loss of function.

Submissions (3):

Labcorp Genetics (formerly Invitae), Labcorp
Classification: Uncertain significance for Hereditary breast ovarian cancer syndrome. Last evaluated: 2025-08-18. Review status: criteria provided, single submitter. Criteria: Invitae Variant Classification Sherloc (09022015). Collection method: clinical testing. Allele origin: germline.
Comment: This sequence change replaces glycine, which is neutral and non-polar, with aspartic acid, which is acidic and polar, at codon 2919 of the BRCA2 protein (p.Gly2919Asp). This variant is not present in population databases (gnomAD no frequency). This missense change has been observed in individual(s) with clinical features of BRCA2-related conditions (PMID: 35892882). ClinVar contains an entry for this variant (Variation ID: 479303). An algorithm developed to predict the effect of missense changes on protein structure and function outputs the following: PolyPhen-2: "Benign". The aspartic acid amino acid residue is found in multiple mammalian species, which suggests that this missense change does not adversely affect protein function. In summary, the available evidence is currently insufficient to determine the role of this variant in disease. Therefore, it has been classified as a Variant of Uncertain Significance.

Ambry Genetics
Classification: Benign for Hereditary cancer-predisposing syndrome. Last evaluated: 2025-05-19. Review status: criteria provided, single submitter. Criteria: Ambry Variant Classification Scheme 2023. Collection method: clinical testing. Allele origin: germline.

Quest Diagnostics Nichols Institute San Juan Capistrano
Classification: Uncertain significance. Last evaluated: 2020-03-20. Review status: criteria provided, single submitter. Criteria: Quest Diagnostics criteria. Collection method: clinical testing. Allele origin: unknown.

Literature cited by the submitters: PubMed 35892882 (cited by Labcorp Genetics (formerly Invitae), Labcorp and Ambry Genetics).

NM_000059.4(BRCA2):c.8756G>A (p.Gly2919Asp)

Gene: BRCA2 (BRCA2 DNA repair associated; plus strand). Cytogenetic location: 13q13.1.
Variant type: single nucleotide variant.
Coding change: c.8756G>A on transcript NM_000059.4 (MANE Select); coding-DNA position 8756, G replaced by A.
Protein change: p.Gly2919Asp; replaces glycine 2919 with aspartic acid.
Molecular consequence: missense variant.
Genome position (GRCh38, 1-based): chr13:32,379,318, G>A. VCF-style: chr13-32379318-G-A. GRCh37 (hg19) VCF-style: chr13-32953455-G-A.
Other names: short protein forms G2919D.
Identifiers: ClinVar variation 479303 (VCV000479303.13), dbSNP rs80359131, ClinGen allele CA387755702.
Genomic context (GRCh38, chr13:32,379,318, plus strand): 5'-AATAGATGGAACTTTTTTGTTCTGATTGCTTTTTATTCCAATATCTTAAATGGTCACAGG[G>A]TTATTTCAGTGAAGAGCAGTTAAGAGCCTTGAATAATCACAGGCAAATGTTGAATGATAA-3'
Protein context (NP_000050.3, residues 2909-2929): KNAADPAYLE[Gly2919Asp]YFSEEQLRAL